The following is an entry in ClinVar:

ClinVar aggregate classification (germline): Uncertain significance (1 of 4 stars; one submission).

Submission:

GeneDx
Classification: Uncertain significance. Last evaluated: 2023-03-23. Review status: criteria provided, single submitter. Criteria: GeneDx Variant Classification Process June 2021. Collection method: clinical testing. Allele origin: germline. Affected: yes.
Comment: Not observed at significant frequency in large population cohorts (gnomAD); In silico analysis supports that this missense variant does not alter protein structure/function; Has not been previously published as pathogenic or benign to our knowledge

NM_000093.5(COL5A1):c.1021G>T (p.Val341Leu)

Gene: COL5A1 (collagen type V alpha 1 chain; plus strand). Cytogenetic location: 9q34.3.
Variant type: single nucleotide variant.
Coding change: c.1021G>T on transcript NM_000093.5 (MANE Select); coding-DNA position 1021, G replaced by T.
Protein change: p.Val341Leu; replaces valine 341 with leucine.
Molecular consequence: missense variant.
Genome position (GRCh38, 1-based): chr9:134,730,332, G>T. VCF-style: chr9-134730332-G-T. GRCh37 (hg19) VCF-style: chr9-137622178-G-T.
Other names: c.1021G>T, p.Val341Leu (NM_001278074.1); short protein forms V341L.
Identifiers: ClinVar variation 2580675 (VCV002580675.1), dbSNP rs756703956, ClinGen allele CA375449521.